The following is an entry in ClinVar:

ClinVar aggregate classification (germline): Uncertain significance (1 of 4 stars; one submission).

Submission:

Labcorp Genetics (formerly Invitae), Labcorp
Classification: Uncertain significance. Last evaluated: 2025-09-15. Review status: criteria provided, single submitter. Criteria: Invitae Variant Classification Sherloc (09022015). Collection method: clinical testing. Allele origin: germline.
Comment: This sequence change replaces tyrosine, which is neutral and polar, with cysteine, which is neutral and slightly polar, at codon 318 of the USH2A protein (p.Tyr318Cys). This variant is not present in population databases (gnomAD no frequency). This missense change has been observed in individual(s) with autosomal recessive retinitis pigmentosa (PMID: 31877679). ClinVar contains an entry for this variant (Variation ID: 1948328). Invitae Evidence Modeling of protein sequence and biophysical properties (such as structural, functional, and spatial information, amino acid conservation, physicochemical variation, residue mobility, and thermodynamic stability) indicates that this missense variant is not expected to disrupt USH2A protein function with a negative predictive value of 95%. In summary, the available evidence is currently insufficient to determine the role of this variant in disease. Therefore, it has been classified as a Variant of Uncertain Significance.

Literature cited by the submitters: PubMed 31877679.

NM_206933.4(USH2A):c.953A>G (p.Tyr318Cys)

Gene: USH2A (usherin; minus strand). Cytogenetic location: 1q41.
Variant type: single nucleotide variant.
Coding change: c.953A>G on transcript NM_206933.4 (MANE Select); coding-DNA position 953, A replaced by G.
Protein change: p.Tyr318Cys; replaces tyrosine 318 with cysteine.
Molecular consequence: missense variant.
Genome position (GRCh38, 1-based): chr1:216,325,495, T>C on the plus strand (A>G on the coding strand, the complement: USH2A is on the minus strand). VCF-style: chr1-216325495-T-C. GRCh37 (hg19) VCF-style: chr1-216498837-T-C.
Other names: c.953A>G, p.Tyr318Cys (NM_007123.6); short protein forms Y318C.
Identifiers: ClinVar variation 1948328 (VCV001948328.3), dbSNP rs2527440297, ClinGen allele CA344912568.